The following is an entry in ClinVar:

NM_000458.4(HNF1B):c.-9C>A

Gene: HNF1B (HNF1 homeobox B; minus strand). Cytogenetic location: 17q12.
Variant type: single nucleotide variant.
Coding change: c.-9C>A on transcript NM_000458.4 (MANE Select); 9 bases upstream of the start codon, C replaced by A.
Molecular consequence: 5 prime UTR variant.
Genome position (GRCh38, 1-based): chr17:37,744,893, G>T on the plus strand (C>A on the coding strand, the complement: HNF1B is on the minus strand). VCF-style: chr17-37744893-G-T. GRCh37 (hg19) VCF-style: chr17-36104884-G-T.
Other names: c.-9C>A (NM_001165923.4, NM_001304286.2, NM_001411100.1).
Identifiers: ClinVar variation 3896440 (VCV003896440.3).

ClinVar aggregate classification (germline): Uncertain significance. Review status: criteria provided, multiple submitters, no conflicts (2 of 4 stars). 2 submissions from 2 submitters: Uncertain significance (2). Last evaluated 2025-08-07.

gnomAD v4.1: 1 of 902,918 alleles (0.00011%); highest among the groups gnomAD compares: Non-Finnish European, 0.00017%; no homozygotes.

Submissions (2):

Mayo Clinic Laboratories, Mayo Clinic
Classification: Uncertain significance. Last evaluated: 2025-08-07. Review status: criteria provided, single submitter. Criteria: ACMG Guidelines, 2015. Collection method: clinical testing. Allele origin: germline. Observed: 1 variant allele.
Comment: PM2_supporting

Women's Health and Genetics/Laboratory Corporation of America, LabCorp
Classification: Uncertain significance. Last evaluated: 2025-04-07. Review status: criteria provided, single submitter. Criteria: LabCorp Variant Classification Summary - May 2015. Collection method: clinical testing. Allele origin: germline.
Comment: Variant summary: HNF1B c.-9C>A is located in the untranslated mRNA region upstream of the initiation codon. The frequency data for this variant in gnomAD is considered unreliable, as metrics indicate poor data quality at this position. To our knowledge, no occurrence of c.-9C>A in individuals affected with Maturity Onset Diabetes Of The Young 5 (Renal Cysts And Diabetes Syndrome) and no experimental evidence demonstrating its impact on protein function have been reported. ClinVar contains an entry for this variant (Variation ID: 3031212). Based on the evidence outlined above, the variant was classified as uncertain significance.